The following is an entry in ClinVar:

NM_007194.4(CHEK2):c.855C>G (p.Ile285Met)

Gene: CHEK2 (checkpoint kinase 2; minus strand). Cytogenetic location: 22q12.1.
Variant type: single nucleotide variant.
Coding change: c.855C>G on transcript NM_007194.4 (MANE Select); coding-DNA position 855, C replaced by G.
Protein change: p.Ile285Met; replaces isoleucine 285 with methionine.
Molecular consequence: missense variant.
Genome position (GRCh38, 1-based): chr22:28,703,558, G>C on the plus strand (C>G on the coding strand, the complement: CHEK2 is on the minus strand). VCF-style: chr22-28703558-G-C. GRCh37 (hg19) VCF-style: chr22-29099546-G-C.
Other names: c.984C>G, p.Ile328Met (NM_001005735.3); c.192C>G, p.Ile64Met (NM_001257387.3); c.654C>G, p.Ile218Met (NM_001349956.3); c.855C>G, p.Ile285Met (NM_145862.3); short protein forms I285M, I64M, I218M, I328M.
Identifiers: ClinVar variation 230685 (VCV000230685.25), dbSNP rs756692505, ClinGen allele CA10167795.
Genomic context (GRCh38, chr22:28,703,558, plus strand): 5'-TACTTACAATTCCAAAACAATATAATAATCTTCTGCATCAAAAAAGTTTTTAATCTTGAT[G>C]ATGCAAGGCTAAGAAGAGGGGGAGAAAAAAGGGAAAGTAGTGAGAAACTCCCAAGAGGAA-3'
Protein context (NP_009125.1, residues 275-295): EILKKLNHPC[Ile285Met]IKIKNFFDAE

ClinVar aggregate classification (germline): Uncertain significance. Review status: criteria provided, multiple submitters, no conflicts (2 of 4 stars). 7 submissions from 7 submitters: Uncertain significance (6). 1 of the submissions does not count toward it. Last evaluated 2025-12-10.

Conditions:
Hereditary cancer-predisposing syndrome. Also called: Neoplastic Syndromes, Hereditary; Tumor predisposition; Hereditary Cancer Syndrome; Hereditary neoplastic syndrome. Identifiers: Orphanet 140162, MedGen C0027672, MeSH D009386, MONDO:0015356.
Familial cancer of breast. Also called: BREAST CANCER, FAMILIAL; hereditary breast carcinoma; Hereditary breast cancer. Identifiers: Orphanet 227535, MedGen C0346153, MONDO:0016419, OMIM 114480. Disease mechanism: loss of function.
CHEK2-related disorder.

Allele frequency attached by ClinVar (database versions not stated): gnomAD exomes below 0.00001; gnomAD 0.00001; ExAC 0.00002.
gnomAD v4.1: 7 of 1,558,838 alleles (0.00045%); highest among the groups gnomAD compares: Non-Finnish European, 0.00062%; no homozygotes.

Submissions (7):

Color Diagnostics, LLC DBA Color Health
Classification: Uncertain significance for Hereditary cancer-predisposing syndrome. Last evaluated: 2025-12-10. Review status: criteria provided, single submitter. Criteria: ACMG Guidelines, 2015. Collection method: clinical testing. Allele origin: germline.
Comment: This missense variant replaces isoleucine with methionine at codon 285 of the CHEK2 protein. Computational prediction suggests that this variant may not impact protein structure and function. Experimental functional studies have reported this variant behaves like wild-type CHEK2 in yeast based kinase assays (PMID: 37449874). This variant has not been reported in individuals affected with CHEK2-related disorders in the literature. This variant has been identified in 7/1558838 chromosomes in the general population by the Genome Aggregation Database (gnomAD). The available evidence is insufficient to determine the role of this variant in disease conclusively. Therefore, this variant is classified as a Variant of Uncertain Significance.

Labcorp Genetics (formerly Invitae), Labcorp
Classification: Uncertain significance for Familial cancer of breast. Last evaluated: 2025-08-18. Review status: criteria provided, single submitter. Criteria: Invitae Variant Classification Sherloc (09022015). Collection method: clinical testing. Allele origin: germline.
Comment: This sequence change replaces isoleucine, which is neutral and non-polar, with methionine, which is neutral and non-polar, at codon 285 of the CHEK2 protein (p.Ile285Met). This variant is present in population databases (rs756692505, gnomAD 0.001%). This variant has not been reported in the literature in individuals affected with CHEK2-related conditions. ClinVar contains an entry for this variant (Variation ID: 230685). An algorithm developed to predict the effect of missense changes on protein structure and function (PolyPhen-2) suggests that this variant is likely to be disruptive. In summary, the available evidence is currently insufficient to determine the role of this variant in disease. Therefore, it has been classified as a Variant of Uncertain Significance.

Institute for Biomarker Research, Medical Diagnostic Laboratories, L.L.C.
Classification: Uncertain significance for Hereditary cancer-predisposing syndrome. Last evaluated: 2024-11-29. Review status: criteria provided, single submitter. Criteria: ACMG Guidelines, 2015. Collection method: clinical testing. Allele origin: germline.
Comment: The missense variant NM_001005735.2(CHEK2):c.984C>G (p.Ile328Met) has not been reported previously as a pathogenic variant nor as a benign variant, to our knowledge. Although the variant is present at 0.0004% in gnomAD, it has the flag "RF" and may not represent the true population frequency. There is a small physicochemical difference between isoleucine and methionine, which is not likely to impact secondary protein structure as these residues share similar properties. For these reasons, this variant has been classified as Uncertain Significance

Baylor Genetics
Classification: Uncertain significance for Familial cancer of breast. Last evaluated: 2024-03-24. Review status: criteria provided, single submitter. Criteria: ACMG Guidelines, 2015. Collection method: clinical testing. Allele origin: unknown.

GeneDx
Classification: Uncertain significance. Last evaluated: 2024-02-22. Review status: criteria provided, single submitter. Criteria: GeneDx Variant Classification Process June 2021. Collection method: clinical testing. Allele origin: germline. Affected: yes.
Comment: Not observed at significant frequency in large population cohorts (gnomAD); In silico analysis supports that this missense variant does not alter protein structure/function; Reported in individuals referred for multi-gene hereditary cancer panel testing (PMID: 27720647); This variant is associated with the following publications: (PMID: 22419737, 19782031, 27720647, 36922933)

Ambry Genetics
Classification: Uncertain significance for Hereditary cancer-predisposing syndrome. Last evaluated: 2024-01-19. Review status: criteria provided, single submitter. Criteria: Ambry Variant Classification Scheme 2023. Collection method: clinical testing. Allele origin: germline.
Comment: The p.I285M variant (also known as c.855C>G), located in coding exon 7 of the CHEK2 gene, results from a C to G substitution at nucleotide position 855. The isoleucine at codon 285 is replaced by methionine, an amino acid with highly similar properties. This alteration was reported as functional in a study assessing CHEK2-complementation through quantification of KAP1 phosphorylation and CHK2 autophosphorylation in human RPE1-CHEK2-knockout cells (Stolarova L et al. Clin Cancer Res, 2023 Aug;29:3037-3050). This amino acid position is well conserved in available vertebrate species. In addition, the in silico prediction for this alteration is inconclusive. Based on the available evidence, the clinical significance of this alteration remains unclear.

PreventionGenetics, part of Exact Sciences
Classification: Uncertain significance for CHEK2-related condition. Last evaluated: 2024-07-09. Review status: no assertion criteria provided. Collection method: clinical testing. Allele origin: germline. Not counted in ClinVar's aggregate classification.
Comment: The CHEK2 c.855C>G variant is predicted to result in the amino acid substitution p.Ile285Met. This variant has been reported in a study on CHEK2-complementation in human RPE1-CHEK2-knockout cells (Table S1. Stolarova et al 2023. PubMed ID: 37449874.) This variant is reported in 0.0010% of alleles in individuals of European (Non-Finnish) descent in gnomAD and is interpreted as uncertain in ClinVar. At this time, the clinical significance of this variant is uncertain due to the absence of conclusive functional and genetic evidence.

Literature cited by the submitters: PubMed 37449874 (cited by Color Diagnostics, LLC DBA Color Health and Ambry Genetics).